The following is an entry in ClinVar:

NM_012431.3(SEMA3E):c.305T>C (p.Met102Thr)

Gene: SEMA3E (semaphorin 3E; minus strand). Cytogenetic location: 7q21.11.
Variant type: single nucleotide variant.
Coding change: c.305T>C on transcript NM_012431.3 (MANE Select); coding-DNA position 305, T replaced by C.
Protein change: p.Met102Thr; replaces methionine 102 with threonine.
Molecular consequence: missense variant.
Genome position (GRCh38, 1-based): chr7:83,469,274, A>G on the plus strand (T>C on the coding strand, the complement: SEMA3E is on the minus strand). VCF-style: chr7-83469274-A-G. GRCh37 (hg19) VCF-style: chr7-83098590-A-G.
Other names: c.305T>C (NM_012431.2); c.125T>C, p.Met42Thr (NM_001178129.2); short protein forms M102T, M42T.
Identifiers: ClinVar variation 2657651 (VCV002657651.26), dbSNP rs374941561, ClinGen allele CA4322387.

ClinVar aggregate classification (germline): Uncertain significance. Review status: criteria provided, multiple submitters, no conflicts (2 of 4 stars). 3 submissions from 3 submitters: Uncertain significance (3). Last evaluated 2025-12-28.

Conditions:
SEMA3E-related disorder. Also called: SEMA3E-related condition.
CHARGE syndrome (CHARGE). Also called: Hittner Hirsch Kreh syndrome; CHARGE ASSOCIATION--COLOBOMA, HEART ANOMALY, CHOANAL ATRESIA, RETARDATION, GENITAL AND EAR ANOMALIES; Coloboma, heart anomaly, choanal atresia, retardation, genital and ear anomalies; CHARGE association; Hall-Hittner syndrome. Identifiers: Orphanet 138, MedGen C0265354, MONDO:0008965.

Allele frequency attached by ClinVar (database versions not stated): gnomAD exomes below 0.00001; ExAC 0.00001; TOPMed 0.00001; ESP Exome Variant Server 0.00008.

Submissions (3):

PreventionGenetics, part of Exact Sciences
Classification: Uncertain significance for SEMA3E-related condition. Last evaluated: 2025-12-28. Review status: criteria provided, single submitter. Criteria: ACMG Guidelines, 2015. Collection method: clinical testing. Allele origin: germline.
Comment: The SEMA3E c.305T>C variant is predicted to result in the amino acid substitution p.Met102Thr. To our knowledge, this variant has not been reported in the literature. This variant is reported in 0.00088% of alleles in individuals of European (Non-Finnish) descent in gnomAD. At this time, the clinical significance of this variant is uncertain due to the absence of conclusive functional and genetic evidence.

Labcorp Genetics (formerly Invitae), Labcorp
Classification: Uncertain significance for CHARGE syndrome. Last evaluated: 2025-03-06. Review status: criteria provided, single submitter. Criteria: Invitae Variant Classification Sherloc (09022015). Collection method: clinical testing. Allele origin: germline.
Comment: This sequence change replaces methionine, which is neutral and non-polar, with threonine, which is neutral and polar, at codon 102 of the SEMA3E protein (p.Met102Thr). This variant is present in population databases (rs374941561, gnomAD 0.002%). This variant has not been reported in the literature in individuals affected with SEMA3E-related conditions. ClinVar contains an entry for this variant (Variation ID: 2657651). Invitae Evidence Modeling of protein sequence and biophysical properties (such as structural, functional, and spatial information, amino acid conservation, physicochemical variation, residue mobility, and thermodynamic stability) indicates that this missense variant is not expected to disrupt SEMA3E protein function with a negative predictive value of 80%. In summary, the available evidence is currently insufficient to determine the role of this variant in disease. Therefore, it has been classified as a Variant of Uncertain Significance.

CeGaT Center for Human Genetics Tuebingen
Classification: Uncertain significance. Last evaluated: 2023-06-01. Review status: criteria provided, single submitter. Criteria: CeGaT Center For Human Genetics Tuebingen Variant Classification Criteria Version 2. Collection method: clinical testing. Allele origin: germline. Affected: yes. Observed: 1 variant allele.
Comment: SEMA3E: PM2, BP4